The following is an entry in ClinVar:

ClinVar aggregate classification (germline): Uncertain significance (1 of 4 stars; one submission).

Submission:

GeneDx
Classification: Uncertain significance. Last evaluated: 2023-05-12. Review status: criteria provided, single submitter. Criteria: GeneDx Variant Classification Process June 2021. Collection method: clinical testing. Allele origin: germline. Affected: yes.
Comment: Not observed at significant frequency in large population cohorts (gnomAD); In silico analysis supports that this missense variant has a deleterious effect on protein structure/function; Has not been previously published as pathogenic or benign to our knowledge

NM_001378964.1(CDON):c.774C>A (p.Asp258Glu)

Gene: CDON (cell adhesion associated, oncogene regulated; minus strand). Cytogenetic location: 11q24.2.
Variant type: single nucleotide variant.
Coding change: c.774C>A on transcript NM_001378964.1 (MANE Select); coding-DNA position 774, C replaced by A.
Protein change: p.Asp258Glu; replaces aspartic acid 258 with glutamic acid.
Molecular consequence: missense variant.
Genome position (GRCh38, 1-based): chr11:126,017,242, G>T on the plus strand (C>A on the coding strand, the complement: CDON is on the minus strand). VCF-style: chr11-126017242-G-T. GRCh37 (hg19) VCF-style: chr11-125887137-G-T.
Other names: c.774C>A, p.Asp258Glu (NM_016952.6, NM_001243597.3); short protein forms D258E.
Identifiers: ClinVar variation 2662258 (VCV002662258.1), dbSNP rs777623487, ClinGen allele CA230553539.
Genomic context (GRCh38, chr11:126,017,242, plus strand): 5'-ATCAGTGGCAAGATGAGAATACAACCTTCTCCAGTTGCTTCCTGGTGCAATGTCCTGCCC[G>T]TCCTTTAGCCAATACACTTGAGGAGCCGGGACCCCACTCACCACACACTCCAAGGTTACA-3'
Protein context (NP_001365893.1, residues 248-268): VPAPQVYWLK[Asp258Glu]GQDIAPGSNW